The following is an entry in ClinVar:

NM_004260.4(RECQL4):c.3561C>G (p.Tyr1187Ter)

Gene: RECQL4 (RecQ like helicase 4; minus strand). Cytogenetic location: 8q24.3.
Variant type: single nucleotide variant.
Coding change: c.3561C>G on transcript NM_004260.4 (MANE Select); coding-DNA position 3561, C replaced by G.
Protein change: p.Tyr1187Ter; replaces tyrosine 1187 with a stop codon.
Molecular consequence: nonsense. On other transcripts: non-coding transcript variant (3).
Genome position (GRCh38, 1-based): chr8:144,511,497, G>C on the plus strand (C>G on the coding strand, the complement: RECQL4 is on the minus strand). VCF-style: chr8-144511497-G-C. GRCh37 (hg19) VCF-style: chr8-145736880-G-C.
Other names: c.3267C>G, p.Tyr1089Ter (NM_001413017.1); c.3363C>G, p.Tyr1121Ter (NM_001413018.1); c.3636C>G, p.Tyr1212Ter (NM_001413019.1); c.3465C>G, p.Tyr1155Ter (NM_001413020.1); c.2490C>G, p.Tyr830Ter (NM_001413021.1, NM_001413022.1, NM_001413024.1 and 4 more transcripts); c.2565C>G, p.Tyr855Ter (NM_001413023.1); c.3432C>G, p.Tyr1144Ter (NM_001413025.1); c.2424C>G, p.Tyr808Ter (NM_001413027.1, NM_001413030.1, NM_001413032.1); and 9 more; short protein forms Y1070*, Y1089*, Y1121*, Y1143*, Y1144*, Y1155*, Y1177*, Y1187*.
Identifiers: ClinVar variation 2581064 (VCV002581064.2), dbSNP rs768782202, ClinGen allele CA372665826.

ClinVar aggregate classification (germline): Likely pathogenic (1 of 4 stars; one submission).

Conditions:
Rapadilino syndrome. Identifiers: Orphanet 3021, MedGen C1849453, MONDO:0009955, OMIM 266280.

Submission:

Division Of Personalized Genomic Medicine, Columbia University Irving Medical Center
Classification: Likely pathogenic for Rapadilino syndrome. Last evaluated: 2019-10-16. Review status: criteria provided, single submitter. Criteria: ACMG Guidelines, 2015. Collection method: clinical testing. Allele origin: maternal. Inheritance: Autosomal recessive inheritance. Observed: 1 compound heterozygote.
Comment: This variant is not predicted to undergo RNA nonsense-mediated decay (NMD). The variant has not been reported in the Genome Aggregation Database (gnomAD), indicating it is not a common benign variant in the populations represented in this database. To the best of our knowledge, this variant has not been reported in other unrelated patients in literature or ClinVar. However, one downstream frame shift variant has been reported in patient with RAPADILINO syndrome (PMID: 18716613). Based on above evidence, maternally inherited 3561C>G p.Tyr1187* variant is classified as Likely Pathogenic.

Literature cited by the submitters: PubMed 18716613.